The following is an entry in ClinVar:

ClinVar aggregate classification (germline): Benign (0 of 4 stars; one submission).

Conditions:
MTNR1B-related disorder. Also called: MTNR1B-related condition.

Allele frequency attached by ClinVar (database versions not stated): gnomAD exomes 0.03217; ExAC 0.04214; 1000 Genomes Project 0.07927; 1000 Genomes Project 30x 0.08182; gnomAD 0.08687; TOPMed 0.09473; ESP Exome Variant Server 0.10132.
gnomAD v4.1: 60,812 of 1,614,164 alleles (3.8%); highest among the groups gnomAD compares: African/African-American, 24%; 2,997 homozygotes.

Submission:

PreventionGenetics, part of Exact Sciences
Classification: Benign for MTNR1B-related condition. Last evaluated: 2019-11-06. Review status: no assertion criteria provided. Collection method: clinical testing. Allele origin: germline.
Comment: This variant is classified as benign based on ACMG/AMP sequence variant interpretation guidelines (Richards et al. 2015 PMID: 25741868, with internal and published modifications).

NM_005959.5(MTNR1B):c.728A>G (p.Lys243Arg)

Gene: MTNR1B (melatonin receptor 1B; plus strand). Cytogenetic location: 11q14.3.
Variant type: single nucleotide variant.
Coding change: c.728A>G on transcript NM_005959.5 (MANE Select); coding-DNA position 728, A replaced by G.
Protein change: p.Lys243Arg; replaces lysine 243 with arginine.
Molecular consequence: missense variant.
Genome position (GRCh38, 1-based): chr11:92,981,951, A>G. VCF-style: chr11-92981951-A-G. GRCh37 (hg19) VCF-style: chr11-92715117-A-G.
Other names: short protein forms K243R.
Identifiers: ClinVar variation 3060517 (VCV003060517.2), dbSNP rs61747139, ClinGen allele CA6229077.